The following is an entry in ClinVar:

NM_000288.4(PEX7):c.950C>T (p.Ala317Val)

Gene: PEX7 (peroxisomal biogenesis factor 7; plus strand). Cytogenetic location: 6q23.3.
Variant type: single nucleotide variant.
Coding change: c.950C>T on transcript NM_000288.4 (MANE Select); coding-DNA position 950, C replaced by T.
Protein change: p.Ala317Val; replaces alanine 317 with valine.
Molecular consequence: missense variant.
Genome position (GRCh38, 1-based): chr6:136,913,504, C>T. VCF-style: chr6-136913504-C-T. GRCh37 (hg19) VCF-style: chr6-137234642-C-T.
Other names: short protein forms A317V.
Identifiers: ClinVar variation 1163859 (VCV001163859.11), dbSNP rs541306617, ClinGen allele CA148230381.

ClinVar aggregate classification (germline): Uncertain significance. Review status: criteria provided, multiple submitters, no conflicts (2 of 4 stars). 3 submissions from 3 submitters: Uncertain significance (3). Last evaluated 2026-05-12.

Conditions:
Peroxisome biogenesis disorder 9B. Also called: PEX7-Related Refsum Disease; PEROXISOME BIOGENESIS DISORDER, PEX7-RELATED, ATYPICAL; Refsum disease, adult, 2. Identifiers: Orphanet 773, MedGen C2749346, MONDO:0013945, OMIM 614879.
PEX7-related disorder. Also called: PEX7-related condition; PEX7-related disorders. Identifiers: MedGen CN239409.

Allele frequency attached by ClinVar (database versions not stated): gnomAD exomes below 0.00001; gnomAD 0.00002; TOPMed 0.00002.
gnomAD v4.1: 9 of 1,611,766 alleles (0.00056%); highest among the groups gnomAD compares: African/African-American, 0.012%; no homozygotes.

Submissions (3):

PreventionGenetics, part of Exact Sciences
Classification: Uncertain significance for PEX7-related condition. Last evaluated: 2026-05-12. Review status: criteria provided, single submitter. Criteria: ACMG Guidelines, 2015. Collection method: clinical testing. Allele origin: germline.
Comment: The PEX7 c.950C>T variant is predicted to result in the amino acid substitution p.Ala317Val. To our knowledge, this variant has not been reported in the literature. This variant is reported in 0.0062% of alleles in individuals of African descent in gnomAD. At this time, the clinical significance of this variant is uncertain due to the absence of conclusive functional and genetic evidence.

Labcorp Genetics (formerly Invitae), Labcorp
Classification: Uncertain significance for Peroxisome biogenesis disorder 9B. Last evaluated: 2022-06-17. Review status: criteria provided, single submitter. Criteria: Invitae Variant Classification Sherloc (09022015). Collection method: clinical testing. Allele origin: germline.
Comment: This sequence change replaces alanine, which is neutral and non-polar, with valine, which is neutral and non-polar, at codon 317 of the PEX7 protein (p.Ala317Val). This variant is present in population databases (rs541306617, gnomAD 0.007%). This variant has not been reported in the literature in individuals affected with PEX7-related conditions. ClinVar contains an entry for this variant (Variation ID: 1163859). Algorithms developed to predict the effect of missense changes on protein structure and function output the following: SIFT: "Tolerated"; PolyPhen-2: "Benign"; Align-GVGD: "Class C0". The valine amino acid residue is found in multiple mammalian species, which suggests that this missense change does not adversely affect protein function. In summary, the available evidence is currently insufficient to determine the role of this variant in disease. Therefore, it has been classified as a Variant of Uncertain Significance.

Mayo Clinic Laboratories, Mayo Clinic
Classification: Uncertain significance. Last evaluated: 2020-02-12. Review status: criteria provided, single submitter. Criteria: ACMG Guidelines, 2015. Collection method: clinical testing. Allele origin: germline. Observed: 1 variant allele.